The following is an entry in ClinVar:

NM_001195248.2(APTX):c.484-13_484-12delinsTG

Gene: APTX (aprataxin; minus strand). Cytogenetic location: 9p21.1.
Variant type: Indel.
Coding change: c.484-13_484-12delinsTG on transcript NM_001195248.2 (MANE Select); 13 bases into the intron before coding-DNA position 484 through 12 bases into the intron before coding-DNA position 484, GT replaced by TG.
Molecular consequence: intron variant.
Genome position (GRCh38, 1-based): chr9:32,986,042-32,986,043, AC replaced by CA on the plus strand (GT replaced by TG on the coding strand, the reverse complement: APTX is on the minus strand). VCF-style: chr9-32986042-AC-CA. GRCh37 (hg19) VCF-style: chr9-32986040-AC-CA.
Other names: c.484-13_484-12delGTinsTG (NM_175073.2); c.322-13_322-12delinsTG (NM_001369001.1, NM_001369000.1, NM_001195250.2 and 1 more transcripts); c.484-13_484-12delinsTG (NM_001368996.1, NM_001368995.1, NM_001368997.1 and 6 more transcripts); c.220-13_220-12delinsTG (NM_001369002.1, NM_001369003.1, NM_001369004.1 and 5 more transcripts); c.268-13_268-12delinsTG (NM_001195252.2).
Identifiers: ClinVar variation 420544 (VCV000420544.16), dbSNP rs1064794547, ClinGen allele CA16618849.

ClinVar aggregate classification (germline): Benign/Likely benign. Review status: criteria provided, multiple submitters, no conflicts (2 of 4 stars). 4 submissions from 4 submitters: Benign (1); Likely benign (3). Last evaluated 2026-02-02.

Conditions:
Ataxia, early-onset, with oculomotor apraxia and hypoalbuminemia (EAOH). Also called: ATAXIA-OCULOMOTOR APRAXIA SYNDROME; ATAXIA-TELANGIECTASIA-LIKE SYNDROME; Ataxia-oculomotor apraxia type 1. Identifiers: Orphanet 1168, MedGen C1859598, MONDO:0008842, OMIM 208920.

Submissions (4):

Labcorp Genetics (formerly Invitae), Labcorp
Classification: Likely benign. Last evaluated: 2026-02-02. Review status: criteria provided, single submitter. Criteria: Invitae Variant Classification Sherloc (09022015). Collection method: clinical testing. Allele origin: germline.

Unidad de Genómica Garrahan, Hospital de Pediatría Garrahan
Classification: Benign. Last evaluated: 2024-07-31. Review status: criteria provided, single submitter. Criteria: ACMG Guidelines, 2015. Collection method: clinical testing. Allele origin: germline. Affected: no. Observed: 27 variant alleles.
Comment: This variant is classified as Benign based on local population frequency. This variant was detected in 29% of patients studied in a panel designed for Epileptic and Developmental Encephalopathy, Progressive Myoclonus Epilepsy and Abnormal Movements and Neurodegeneration with brain iron accumulation. Number of patients: 27. Only high quality variants are reported.

Fulgent Genetics
Classification: Likely benign for Ataxia, early-onset, with oculomotor apraxia and hypoalbuminemia. Last evaluated: 2021-09-15. Review status: criteria provided, single submitter. Criteria: ACMG Guidelines, 2015. Collection method: clinical testing. Allele origin: unknown.

GeneDx
Classification: Likely benign. Last evaluated: 2018-09-07. Review status: criteria provided, single submitter. Criteria: GeneDx Variant Classification Process June 2021. Collection method: clinical testing. Allele origin: germline. Affected: yes.